The following is an entry in ClinVar:

NM_021072.4(HCN1):c.1691T>C (p.Leu564Pro)

Gene: HCN1 (hyperpolarization activated cyclic nucleotide gated potassium channel 1; minus strand). Cytogenetic location: 5p12.
Variant type: single nucleotide variant.
Coding change: c.1691T>C on transcript NM_021072.4 (MANE Select); coding-DNA position 1691, T replaced by C.
Protein change: p.Leu564Pro; replaces leucine 564 with proline.
Molecular consequence: missense variant.
Genome position (GRCh38, 1-based): chr5:45,267,181, A>G on the plus strand (T>C on the coding strand, the complement: HCN1 is on the minus strand). VCF-style: chr5-45267181-A-G. GRCh37 (hg19) VCF-style: chr5-45267283-A-G.
Other names: short protein forms L564P.
Identifiers: ClinVar variation 1978076 (VCV001978076.5), dbSNP rs2478195559, ClinGen allele CA359705862.

ClinVar aggregate classification (germline): Uncertain significance (1 of 4 stars; one submission).

Conditions:
Early-infantile DEE. Also called: Ohtahara syndrome; Early infantile epileptic encephalopathy; Early infantile epileptic encephalopathy with suppression bursts. Identifiers: Orphanet 1934, MedGen C0393706, MONDO:0800491.

Submission:

Labcorp Genetics (formerly Invitae), Labcorp
Classification: Uncertain significance for Early-infantile DEE. Last evaluated: 2025-10-01. Review status: criteria provided, single submitter. Criteria: Invitae Variant Classification Sherloc (09022015). Collection method: clinical testing. Allele origin: germline.
Comment: This sequence change replaces leucine, which is neutral and non-polar, with proline, which is neutral and non-polar, at codon 564 of the HCN1 protein (p.Leu564Pro). This variant is not present in population databases (gnomAD no frequency). This variant has not been reported in the literature in individuals affected with HCN1-related conditions. ClinVar contains an entry for this variant (Variation ID: 1978076). Invitae Evidence Modeling of protein sequence and biophysical properties (such as structural, functional, and spatial information, amino acid conservation, physicochemical variation, residue mobility, and thermodynamic stability) indicates that this missense variant is expected to disrupt HCN1 protein function with a positive predictive value of 95%. In summary, the available evidence is currently insufficient to determine the role of this variant in disease. Therefore, it has been classified as a Variant of Uncertain Significance.